The following is an entry in ClinVar:

ClinVar aggregate classification (germline): Conflicting classifications of pathogenicity. Review status: criteria provided, conflicting classifications (1 of 4 stars). 4 submissions from 4 submitters: Pathogenic (1); Likely pathogenic (2); Uncertain significance (1). Last evaluated 2025-05-13.

Conditions:
Wilson disease (WND). Also called: Wilson's disease. Identifiers: Orphanet 905, MedGen C0019202, MONDO:0010200, OMIM 277900. Disease mechanism: loss of function.

Allele frequency attached by ClinVar (database versions not stated): gnomAD exomes below 0.00001; TOPMed below 0.00001; gnomAD 0.00001.

Submissions (4):

Labcorp Genetics (formerly Invitae), Labcorp
Classification: Pathogenic for Wilson disease. Last evaluated: 2025-05-13. Review status: criteria provided, single submitter. Criteria: Invitae Variant Classification Sherloc (09022015). Collection method: clinical testing. Allele origin: germline.
Comment: This sequence change creates a premature translational stop signal (p.Asp1447Glyfs*2) in the ATP7B gene. While this is not anticipated to result in nonsense mediated decay, it is expected to disrupt the last 19 amino acid(s) of the ATP7B protein. This variant is not present in population databases (gnomAD no frequency). This variant has not been reported in the literature in individuals affected with ATP7B-related conditions. ClinVar contains an entry for this variant (Variation ID: 631704). This variant disrupts a region of the ATP7B protein in which other variant(s) (p.Arg1459Glyfs*2) have been determined to be pathogenic (PMID: 26799313). This suggests that this is a clinically significant region of the protein, and that variants that disrupt it are likely to be disease-causing. For these reasons, this variant has been classified as Pathogenic.

Fulgent Genetics
Classification: Likely pathogenic for Wilson disease. Last evaluated: 2024-04-04. Review status: criteria provided, single submitter. Criteria: ACMG Guidelines, 2015. Collection method: clinical testing. Allele origin: germline.

Baylor Genetics
Classification: Likely pathogenic for Wilson disease. Last evaluated: 2024-03-29. Review status: criteria provided, single submitter. Criteria: ACMG Guidelines, 2015. Collection method: clinical testing. Allele origin: unknown.

All of Us Research Program, National Institutes of Health
Classification: Uncertain significance for Wilson disease. Last evaluated: 2024-03-04. Review status: criteria provided, single submitter. Criteria: ACMG Guidelines, 2015. Collection method: clinical testing. Allele origin: germline. Inheritance: Autosomal recessive inheritance. Observed: 2 variant alleles, 2 heterozygotes.
Comment: This variant inserts 1 nucleotide in exon 21 of the ATP7B gene, creating a frameshift and premature translation stop signal in the last coding exon. This mutant transcript is predicted to escape nonsense-mediated decay and be expressed as a truncated protein. The clinical relevance of the loss of this C-terminal region is not known. To our knowledge, this variant has not been reported in individuals affected with Wilson disease in the literature. This variant has not been identified in the general population by the Genome Aggregation Database (gnomAD). Loss of ATP7B function is a known mechanism of disease. The available evidence is insufficient to determine the role of this variant in disease conclusively. Therefore, this variant is classified as a Variant of Uncertain Significance.

This study involves interpretation of variants in research participants for the purpose of population health screening. Participant phenotype was not available at the time of variant classification. Additional details can be found in publication PMID: 35346344, PMCID: PMC8962531

Literature cited by the submitters: PubMed 26799313 (cited by Labcorp Genetics (formerly Invitae), Labcorp).

NM_000053.4(ATP7B):c.4339dup (p.Asp1447fs)

Gene: ATP7B (ATPase copper transporting beta; minus strand). Cytogenetic location: 13q14.3.
Variant type: Duplication.
Coding change: c.4339dup on transcript NM_000053.4 (MANE Select); coding-DNA position 4339, one base duplicated (G; older notation c.4339dupG).
Protein change: p.Asp1447fs; shifts the reading frame from aspartic acid 1447.
Molecular consequence: frameshift variant.
Genome position (GRCh38, 1-based): chr13:51,934,815, C duplicated on the plus strand (G on the coding strand, the reverse complement: ATP7B is on the minus strand). VCF-style (leftmost placement, unchanged base first): chr13-51934814-T-TC. GRCh37 (hg19) VCF-style: chr13-52508950-T-TC.
Other names: c.3718dup, p.Asp1240fs (NM_001005918.3); c.4006dup, p.Asp1336fs (NM_001243182.2); c.4105dup, p.Asp1369fs (NM_001330578.2); c.4087dup, p.Asp1363fs (NM_001330579.2); short protein forms D1336fs, D1369fs, D1447fs, D1240fs, D1363fs.
Identifiers: ClinVar variation 631704 (VCV000631704.12), dbSNP rs1345677703, ClinGen allele CA698888933.